The following is an entry in ClinVar:

NM_007294.4(BRCA1):c.2405T>G (p.Val802Gly)

Gene: BRCA1 (BRCA1 DNA repair associated; minus strand). Cytogenetic location: 17q21.31.
Variant type: single nucleotide variant.
Coding change: c.2405T>G on transcript NM_007294.4 (MANE Select); coding-DNA position 2405, T replaced by G.
Protein change: p.Val802Gly; replaces valine 802 with glycine.
Molecular consequence: missense variant. On other transcripts: intron variant (137).
Genome position (GRCh38, 1-based): chr17:43,093,126, A>C on the plus strand (T>G on the coding strand, the complement: BRCA1 is on the minus strand). VCF-style: chr17-43093126-A-C. GRCh37 (hg19) VCF-style: chr17-41245143-A-C.
Other names: c.2282T>G, p.Val761Gly (NM_001407676.1, NM_001407677.1, NM_001407678.1 and 19 more transcripts); c.2405T>G, p.Val802Gly (NM_001407684.1, NM_001407854.1, NM_001407858.1 and 30 more transcripts); c.2279T>G, p.Val760Gly (NM_001407685.1, NM_001407686.1, NM_001407687.1 and 11 more transcripts); c.2264T>G, p.Val755Gly (NM_001407692.1, NM_001407694.1, NM_001407695.1 and 29 more transcripts); c.2261T>G, p.Val754Gly (NM_001407740.1, NM_001407741.1, NM_001407742.1 and 20 more transcripts); c.2192T>G, p.Val731Gly (NM_001407853.1, NM_001407894.1, NM_001407895.1 and 9 more transcripts); c.2402T>G, p.Val801Gly (NM_001407860.1, NM_001407861.1, NM_001407587.1 and 22 more transcripts); c.2204T>G, p.Val735Gly (NM_001407862.1); and 41 more; short protein forms V802G, V755G, V506G, V675G, V734G, V754G, V634G, V674G.
Identifiers: ClinVar variation 462584 (VCV000462584.14), dbSNP rs1555589737, ClinGen allele CA10597197.

ClinVar aggregate classification (germline): Conflicting classifications of pathogenicity. Review status: criteria provided, conflicting classifications (1 of 4 stars). 2 submissions from 2 submitters: Uncertain significance (1); Likely benign (1). Last evaluated 2023-03-23.

Conditions:
Hereditary breast ovarian cancer syndrome. Also called: Hereditary breast and ovarian cancer syndrome (HBOC); Hereditary breast and ovarian cancer syndrome; Breast and ovarian cancer; Hereditary breast and/or ovarian cancer syndrome; Hereditary breast and ovarian cancer; BRCA1- and BRCA2-Associated Hereditary Breast and Ovarian Cancer. Identifiers: Orphanet 145, MedGen C0677776, MeSH D061325, MONDO:0003582. Disease mechanism: loss of function.
Hereditary cancer-predisposing syndrome. Also called: Neoplastic Syndromes, Hereditary; Hereditary Cancer Syndrome; Hereditary neoplastic syndrome; Tumor predisposition. Identifiers: Orphanet 140162, MedGen C0027672, MeSH D009386, MONDO:0015356.

Submissions (2):

University of Washington Department of Laboratory Medicine, University of Washington
Classification: Likely benign for Hereditary cancer-predisposing syndrome. Last evaluated: 2023-03-23. Review status: criteria provided, single submitter. Criteria: Dines et al. (Genet Med. 2020). Collection method: curation. Allele origin: germline.
Comment: Missense variant in a coldspot region where missense variants are very unlikely to be pathogenic (PMID:31911673).

BRCA1 coldspot (exon 11 using historical exon numbering). Reclassification based on statistical prior probability

Labcorp Genetics (formerly Invitae), Labcorp
Classification: Uncertain significance for Hereditary breast ovarian cancer syndrome. Last evaluated: 2020-04-10. Review status: criteria provided, single submitter. Criteria: Invitae Variant Classification Sherloc (09022015). Collection method: clinical testing. Allele origin: germline.
Comment: In summary, this variant is a novel missense change that is not predicted to affect protein function. There is no indication that it causes disease, but the available evidence is currently insufficient to prove that conclusively. Therefore, it has been classified as a Variant of Uncertain Significance. Algorithms developed to predict the effect of missense changes on protein structure and function output the following: SIFT: "Tolerated"; PolyPhen-2: "Benign"; Align-GVGD: "Class C0". The glycine amino acid residue is found in multiple mammalian species, suggesting that this missense change does not adversely affect protein function. These predictions have not been confirmed by published functional studies. This variant is not present in population databases (ExAC no frequency) and has not been reported in the literature in individuals with a BRCA1-related disease. This sequence change replaces valine with glycine at codon 802 of the BRCA1 protein (p.Val802Gly). The valine residue is weakly conserved and there is a moderate physicochemical difference between valine and glycine.